The following is an entry in ClinVar:

NM_177438.3(DICER1):c.4184A>T (p.Asp1395Val)

Gene: DICER1 (dicer 1, ribonuclease III; minus strand). Cytogenetic location: 14q32.13.
Variant type: single nucleotide variant.
Coding change: c.4184A>T on transcript NM_177438.3 (MANE Select); coding-DNA position 4184, A replaced by T.
Protein change: p.Asp1395Val; replaces aspartic acid 1395 with valine.
Molecular consequence: missense variant. On other transcripts: non-coding transcript variant (6).
Genome position (GRCh38, 1-based): chr14:95,099,802, T>A on the plus strand (A>T on the coding strand, the complement: DICER1 is on the minus strand). VCF-style: chr14-95099802-T-A. GRCh37 (hg19) VCF-style: chr14-95566139-T-A.
Other names: c.3779A>T, p.Asp1260Val (NM_001395690.1, NM_001395696.1, NM_001395687.1 and 2 more transcripts); c.3617A>T, p.Asp1206Val (NM_001395691.1); c.4184A>T, p.Asp1395Val (NM_001395692.1, NM_001395693.1, NM_001395694.1 and 12 more transcripts); c.2501A>T, p.Asp834Val (NM_001395697.1); c.3902A>T, p.Asp1301Val (NM_001395686.1); short protein forms D1260V, D834V, D1206V, D1301V, D1395V.
Identifiers: ClinVar variation 5035299 (VCV005035299.1).
Genomic context (GRCh38, chr14:95,099,802, plus strand): 5'-ACACACACACACACACACACACACACACACAAACTTACCATTTCATCTTTTTCCCATTTA[T>A]CTGTGTTGCTTTTGTCTTGATTTACTACATAACCAGGAGGAAGCCAATTCACAGGGGGAT-3'
Protein context (NP_803187.1, residues 1385-1405): YVVNQDKSNT[Asp1395Val]KWEKDEMTKD

ClinVar aggregate classification (germline): Uncertain significance (1 of 4 stars; one submission).

Conditions:
Hereditary cancer-predisposing syndrome. Also called: Hereditary Cancer Syndrome; Neoplastic Syndromes, Hereditary; Tumor predisposition; Hereditary neoplastic syndrome. Identifiers: Orphanet 140162, MedGen C0027672, MeSH D009386, MONDO:0015356.

Submission:

Ambry Genetics
Classification: Uncertain significance for Hereditary cancer-predisposing syndrome. Last evaluated: 2026-07-25. Review status: criteria provided, single submitter. Criteria: Ambry Variant Classification Scheme 2023. Collection method: clinical testing. Allele origin: germline.
Comment: The p.D1395V variant (also known as c.4184A>T), located in coding exon 21 of the DICER1 gene, results from an A to T substitution at nucleotide position 4184. The aspartic acid at codon 1395 is replaced by valine, an amino acid with highly dissimilar properties. This amino acid position is conserved. In addition, the in silico prediction for this alteration is inconclusive. Based on the available evidence, the clinical significance of this variant remains unclear.